The following is an entry in ClinVar:

ClinVar aggregate classification (germline): Uncertain significance (1 of 4 stars; one submission).

Conditions:
Catecholaminergic polymorphic ventricular tachycardia 1. Also called: RYR2-Related Catecholaminergic Polymorphic Ventricular Tachycardia; VENTRICULAR TACHYCARDIA, CATECHOLAMINERGIC POLYMORPHIC, 1, WITH OR WITHOUT ATRIAL DYSFUNCTION AND/OR DILATED CARDIOMYOPATHY; VENTRICULAR TACHYCARDIA, STRESS-INDUCED POLYMORPHIC 1. Identifiers: Orphanet 3286, MedGen C1631597, MONDO:0011484, OMIM 604772.

gnomAD v4.1: 3 of 1,613,842 alleles (0.00019%); highest among the groups gnomAD compares: African/African-American, 0.004%; no homozygotes.

Submission:

Labcorp Genetics (formerly Invitae), Labcorp
Classification: Uncertain significance for Catecholaminergic polymorphic ventricular tachycardia 1. Last evaluated: 2024-09-30. Review status: criteria provided, single submitter. Criteria: Invitae Variant Classification Sherloc (09022015). Collection method: clinical testing. Allele origin: germline.
Comment: This sequence change replaces serine, which is neutral and polar, with phenylalanine, which is neutral and non-polar, at codon 1341 of the RYR2 protein (p.Ser1341Phe). This variant is not present in population databases (gnomAD no frequency). This variant has not been reported in the literature in individuals affected with RYR2-related conditions. Invitae Evidence Modeling of protein sequence and biophysical properties (such as structural, functional, and spatial information, amino acid conservation, physicochemical variation, residue mobility, and thermodynamic stability) indicates that this missense variant is expected to disrupt RYR2 protein function with a positive predictive value of 95%. In summary, the available evidence is currently insufficient to determine the role of this variant in disease. Therefore, it has been classified as a Variant of Uncertain Significance.

NM_001035.3(RYR2):c.4022C>T (p.Ser1341Phe)

Genes: RYR2 (ryanodine receptor 2; plus strand), LOC126806067 (BRD4-independent group 4 enhancer GRCh37_chr1:237753258-237754457; plus strand). Cytogenetic location: 1q43.
Variant type: single nucleotide variant.
Coding change: c.4022C>T on transcript NM_001035.3 (MANE Select); coding-DNA position 4022, C replaced by T.
Protein change: p.Ser1341Phe; replaces serine 1341 with phenylalanine.
Molecular consequence: missense variant.
Genome position (GRCh38, 1-based): chr1:237,590,854, C>T. VCF-style: chr1-237590854-C-T. GRCh37 (hg19) VCF-style: chr1-237754154-C-T.
Other names: short protein forms S1341F.
Identifiers: ClinVar variation 3730127 (VCV003730127.2).
Genomic context (GRCh38, chr1:237,590,854, plus strand): 5'-GGCTCCCTGGGGCTGGCCTTTTTGGGCCCAAGAATGACTTGGAAGATTATGATGCTGATT[C>T]TGACTTTGAGGTTCTGATGAAGACAGCTCATGGCCATCTAGTGCCCGATCGTGTTGACAA-3'
Protein context (NP_001026.2, residues 1331-1351): KNDLEDYDAD[Ser1341Phe]DFEVLMKTAH